The following is an entry in ClinVar:

ClinVar aggregate classification (germline): Conflicting classifications of pathogenicity. Review status: criteria provided, conflicting classifications (1 of 4 stars). 9 submissions from 9 submitters: Uncertain significance (1); Likely benign (5). 3 of the submissions do not count toward it. Last evaluated 2026-01-12.

Conditions:
Epidermolysis bullosa simplex, Ogna type (EBS5A). Also called: Pidermolysis bullosa simplex 5A, Ogna type; EPIDERMOLYSIS BULLOSA SIMPLEX 5A, OGNA TYPE. Identifiers: Orphanet 79401, MedGen C0432317, MONDO:0007555, OMIM 131950.
Epidermolysis bullosa simplex with nail dystrophy (EBS5D). Identifiers: MedGen C4225309, MONDO:0014661, OMIM 616487.
Autosomal recessive limb-girdle muscular dystrophy type 2Q (LGMDR17). Also called: MUSCULAR DYSTROPHY, LIMB-GIRDLE, AUTOSOMAL RECESSIVE 17. Identifiers: Orphanet 254361, MedGen C3150989, MONDO:0013390, OMIM 613723.
Epidermolysis bullosa simplex 5C, with pyloric atresia (EBS5C). Also called: Epidermolysis bullosa simplex with pyloric atresia; PLEC1-Related Epidermolysis Bullosa with Pyloric Atresia; PLEC-Related Epidermolysis Bullosa with Pyloric Atresia. Identifiers: Orphanet 158684, MedGen C2677349, MONDO:0012807, OMIM 612138.
Epidermolysis bullosa simplex 5B, with muscular dystrophy (EBS5B). Also called: Epidermolysis bullosa simplex with muscular dystrophy; EPIDERMOLYSIS BULLOSA SIMPLEX AND LIMB-GIRDLE MUSCULAR DYSTROPHY. Identifiers: Orphanet 257, MedGen C2931072, MONDO:0009181, OMIM 226670.
PLEC-related disorder. Also called: PLEC-related disorders; PLEC-related condition.

Allele frequency attached by ClinVar (database versions not stated): 1000 Genomes Project 30x 0.00016; TOPMed 0.00094; ESP Exome Variant Server 0.00113.
gnomAD v4.1: 2,217 of 1,604,640 alleles (0.14%); highest among the groups gnomAD compares: Non-Finnish European, 0.17%; 3 homozygotes.

Submissions (9):

Labcorp Genetics (formerly Invitae), Labcorp
Classification: Likely benign for Autosomal recessive limb-girdle muscular dystrophy type 2Q; Epidermolysis bullosa simplex, Ogna type; Epidermolysis bullosa simplex with nail dystrophy; Epidermolysis bullosa simplex 5C, with pyloric atresia; Epidermolysis bullosa simplex 5B, with muscular dystrophy. Last evaluated: 2026-01-12. Review status: criteria provided, single submitter. Criteria: Invitae Variant Classification Sherloc (09022015). Collection method: clinical testing. Allele origin: germline.

Mayo Clinic Laboratories, Mayo Clinic
Classification: Likely benign. Last evaluated: 2025-06-26. Review status: criteria provided, single submitter. Criteria: ACMG Guidelines, 2015. Collection method: clinical testing. Allele origin: germline. Observed: 2 variant alleles.
Comment: BS1, BP4, BP7

CeGaT Center for Human Genetics Tuebingen
Classification: Likely benign. Last evaluated: 2025-06-01. Review status: criteria provided, single submitter. Criteria: CeGaT Center For Human Genetics Tuebingen Variant Classification Criteria Version 2. Collection method: clinical testing. Allele origin: germline. Affected: yes. Observed: 3 variant alleles.
Comment: PLEC: BP4, BP7

Blueprint Genetics
Classification: Likely benign. Last evaluated: 2024-10-14. Review status: criteria provided, single submitter. Criteria: ACMG Guidelines, 2015. Collection method: clinical testing. Allele origin: germline.

GeneDx
Classification: Likely benign. Last evaluated: 2019-12-27. Review status: criteria provided, single submitter. Criteria: GeneDx Variant Classification Process June 2021. Collection method: clinical testing. Allele origin: germline. Affected: yes.

Eurofins Ntd Llc (ga)
Classification: Uncertain significance. Last evaluated: 2017-11-13. Review status: criteria provided, single submitter. Criteria: EGL Classification Definitions 2015. Collection method: clinical testing. Allele origin: germline. Observed: 19 variant alleles, 19 heterozygotes.

PreventionGenetics, part of Exact Sciences
Classification: Likely benign for PLEC-related condition. Last evaluated: 2023-11-14. Review status: no assertion criteria provided. Collection method: clinical testing. Allele origin: germline. Not counted in ClinVar's aggregate classification.
Comment: This variant is classified as likely benign based on ACMG/AMP sequence variant interpretation guidelines (Richards et al. 2015 PMID: 25741868, with internal and published modifications).

Clinical Genetics DNA and cytogenetics Diagnostics Lab, Erasmus MC, Erasmus Medical Center
Classification: Uncertain significance. Review status: no assertion criteria provided. Collection method: clinical testing. Allele origin: germline. Affected: yes. Study: VKGL Data-share Consensus. Not counted in ClinVar's aggregate classification.

Laboratory of Diagnostic Genome Analysis, Leiden University Medical Center (LUMC)
Classification: Uncertain significance. Review status: no assertion criteria provided. Collection method: clinical testing. Allele origin: germline. Affected: yes. Study: VKGL Data-share Consensus. Not counted in ClinVar's aggregate classification.

NM_201384.3(PLEC):c.9081G>A (p.Ala3027=)

Gene: PLEC (plectin; minus strand). Cytogenetic location: 8q24.3.
Variant type: single nucleotide variant.
Coding change: c.9081G>A on transcript NM_201384.3 (MANE Select); coding-DNA position 9081, G replaced by A.
Protein change: p.Ala3027=; no amino-acid change (alanine 3027 retained).
Molecular consequence: synonymous variant.
Genome position (GRCh38, 1-based): chr8:143,920,740, C>T on the plus strand (G>A on the coding strand, the complement: PLEC is on the minus strand). VCF-style: chr8-143920740-C-T. GRCh37 (hg19) VCF-style: chr8-144994908-C-T.
Other names: p.Ala3013=; c.9162G>A, p.Ala3054= (NM_000445.5); c.9039G>A, p.Ala3013= (NM_201378.4); c.9015G>A, p.Ala3005= (NM_201379.3); c.9492G>A, p.Ala3164= (NM_201380.4); c.8985G>A, p.Ala2995= (NM_201381.3); c.9081G>A, p.Ala3027= (NM_201382.4); c.9093G>A, p.Ala3031= (NM_201383.3).
Identifiers: ClinVar variation 284283 (VCV000284283.93), dbSNP rs199758196, ClinGen allele CA4925079.